The following is an entry in ClinVar:

NM_033305.3(VPS13A):c.7325_7333del (p.Gly2442_Ala2444del)

Gene: VPS13A (vacuolar protein sorting 13 homolog A; plus strand). Cytogenetic location: 9q21.2.
Variant type: Deletion.
Coding change: c.7325_7333del on transcript NM_033305.3 (MANE Select); coding-DNA positions 7325 to 7333, 9 bases deleted (GTAAAGCCG; older notation c.7325_7333delGTAAAGCCG).
Protein change: p.Gly2442_Ala2444del.
Molecular consequence: inframe deletion.
Genome position (GRCh38, 1-based): chr9:77,351,352-77,351,360, GTAAAGCCG deleted; deleting any 9 consecutive bases within chr9:77,351,351-77,351,360 gives the same sequence; the c. name uses the placement nearest the transcript's 3' end. VCF-style (leftmost placement, unchanged base first): chr9-77351350-TGGTAAAGCC-T. GRCh37 (hg19) VCF-style: chr9-79966266-TGGTAAAGCC-T.
Other names: c.7208_7216del, p.Gly2403_Ala2405del (NM_001018037.2); c.7325_7333del, p.Gly2442_Ala2444del (NM_001018038.3, NM_015186.4).
Identifiers: ClinVar variation 1935013 (VCV001935013.5), dbSNP rs1831455120, ClinGen allele CA1857212581.

ClinVar aggregate classification (germline): Uncertain significance (1 of 4 stars; one submission).

Submission:

Labcorp Genetics (formerly Invitae), Labcorp
Classification: Uncertain significance. Last evaluated: 2022-11-03. Review status: criteria provided, single submitter. Criteria: Invitae Variant Classification Sherloc (09022015). Collection method: clinical testing. Allele origin: germline.
Comment: In summary, the available evidence is currently insufficient to determine the role of this variant in disease. Therefore, it has been classified as a Variant of Uncertain Significance. Experimental studies and prediction algorithms are not available or were not evaluated, and the functional significance of this variant is currently unknown. This variant has not been reported in the literature in individuals affected with VPS13A-related conditions. This variant is not present in population databases (gnomAD no frequency). This variant, c.7325_7333del, results in the deletion of 3 amino acid(s) of the VPS13A protein (p.Gly2442_Ala2444del), but otherwise preserves the integrity of the reading frame.